The following is an entry in ClinVar:

NM_002691.4(POLD1):c.3046C>T (p.Arg1016Cys)

Gene: POLD1 (DNA polymerase delta 1, catalytic subunit; plus strand). Cytogenetic location: 19q13.33.
Variant type: single nucleotide variant.
Coding change: c.3046C>T on transcript NM_002691.4 (MANE Select); coding-DNA position 3046, C replaced by T.
Protein change: p.Arg1016Cys; replaces arginine 1016 with cysteine.
Molecular consequence: missense variant. On other transcripts: non-coding transcript variant (1).
Genome position (GRCh38, 1-based): chr19:50,416,702, C>T. VCF-style: chr19-50416702-C-T. GRCh37 (hg19) VCF-style: chr19-50919959-C-T.
Other names: c.3046C>T, p.Arg1016Cys (NM_001256849.1); c.3124C>T, p.Arg1042Cys (NM_001308632.1); c.3046C>T (NM_002691.2); short protein forms R1042C, R1016C.
Identifiers: ClinVar variation 408104 (VCV000408104.10), dbSNP rs371667262, ClinGen allele CA16616424.
Genomic context (GRCh38, chr19:50,416,702, plus strand): 5'-ACGGGCAAGGTGGGCGGCCTCCTGGCCTTCGCCAAACGCCGCAACTGCTGCATTGGCTGC[C>T]GCACAGTGCTCAGCCACCAGGGTGAGCGGCCCTGGCCACTGGGCCCCCACTGGCCCTCAA-3'
Protein context (NP_002682.2, residues 1006-1026): AKRRNCCIGC[Arg1016Cys]TVLSHQGAVC

ClinVar aggregate classification (germline): Uncertain significance. Review status: criteria provided, multiple submitters, no conflicts (2 of 4 stars). 3 submissions from 3 submitters: Uncertain significance (3). Last evaluated 2025-12-17.

Conditions:
Hereditary cancer-predisposing syndrome. Also called: Neoplastic Syndromes, Hereditary; Hereditary neoplastic syndrome; Hereditary Cancer Syndrome; Tumor predisposition. Identifiers: Orphanet 140162, MedGen C0027672, MeSH D009386, MONDO:0015356.
POLD1-related polyposis and colorectal cancer syndrome (CRCS10). Also called: Colorectal cancer, susceptibility to, 10; Colorectal cancer 10; COLORECTAL CANCER, SUSCEPTIBILITY TO, ON CHROMOSOME 19q. Identifiers: Orphanet 220460, MedGen C2675481, MONDO:0012953, OMIM 612591.

Allele frequency attached by ClinVar (database versions not stated): ESP Exome Variant Server 0.00008; gnomAD 0.00003; TOPMed 0.00003.
gnomAD v4.1: 9 of 1,541,950 alleles (0.00058%); highest among the groups gnomAD compares: African/African-American, 0.0055%; no homozygotes.

Submissions (3):

Labcorp Genetics (formerly Invitae), Labcorp
Classification: Uncertain significance for POLD1-related polyposis and colorectal cancer syndrome. Last evaluated: 2025-12-17. Review status: criteria provided, single submitter. Criteria: Invitae Variant Classification Sherloc (09022015). Collection method: clinical testing. Allele origin: germline.
Comment: This sequence change replaces arginine, which is basic and polar, with cysteine, which is neutral and slightly polar, at codon 1016 of the POLD1 protein (p.Arg1016Cys). This variant is not present in population databases (gnomAD no frequency). This variant has not been reported in the literature in individuals affected with POLD1-related conditions. ClinVar contains an entry for this variant (Variation ID: 408104). Invitae Evidence Modeling of protein sequence and biophysical properties (such as structural, functional, and spatial information, amino acid conservation, physicochemical variation, residue mobility, and thermodynamic stability) has been performed for this missense variant. However, the output from this modeling did not meet the statistical confidence thresholds required to predict the impact of this variant on POLD1 protein function. In summary, the available evidence is currently insufficient to determine the role of this variant in disease. Therefore, it has been classified as a Variant of Uncertain Significance.

Ambry Genetics
Classification: Uncertain significance for Hereditary cancer-predisposing syndrome. Last evaluated: 2025-04-03. Review status: criteria provided, single submitter. Criteria: Ambry Variant Classification Scheme 2023. Collection method: clinical testing. Allele origin: germline.
Comment: The p.R1016C variant (also known as c.3046C>T), located in coding exon 23 of the POLD1 gene, results from a C to T substitution at nucleotide position 3046. The arginine at codon 1016 is replaced by cysteine, an amino acid with highly dissimilar properties. This amino acid position is well conserved in available vertebrate species. In addition, this alteration is predicted to be tolerated by in silico analysis. Based on the available evidence, the clinical significance of this variant remains unclear.

GeneDx
Classification: Uncertain significance. Last evaluated: 2023-03-08. Review status: criteria provided, single submitter. Criteria: GeneDx Variant Classification Process June 2021. Collection method: clinical testing. Allele origin: germline. Affected: yes.
Comment: Not observed at significant frequency in large population cohorts (gnomAD); In silico analysis supports that this missense variant has a deleterious effect on protein structure/function; Has not been previously published as pathogenic or benign to our knowledge; This variant is associated with the following publications: (PMID: 29056344, 19296856, 35620275)